The following is an entry in ClinVar:

NM_000297.4(PKD2):c.1031G>A (p.Cys344Tyr)

Gene: PKD2 (polycystin 2, transient receptor potential cation channel; plus strand). Cytogenetic location: 4q22.1.
Variant type: single nucleotide variant.
Coding change: c.1031G>A on transcript NM_000297.4 (MANE Select); coding-DNA position 1031, G replaced by A.
Protein change: p.Cys344Tyr; replaces cysteine 344 with tyrosine.
Molecular consequence: missense variant. On other transcripts: non-coding transcript variant (1).
Genome position (GRCh38, 1-based): chr4:88,038,438, G>A. VCF-style: chr4-88038438-G-A. GRCh37 (hg19) VCF-style: chr4-88959590-G-A.
Other names: c.1031G>A, p.Cys344Tyr (NM_001440544.1); short protein forms C344Y.
Identifiers: ClinVar variation 4076106 (VCV004076106.1).

ClinVar aggregate classification (germline): Likely pathogenic (1 of 4 stars; one submission).

Conditions:
Autosomal dominant polycystic kidney disease. Identifiers: Orphanet 730, MedGen C0085413, MONDO:0004691.

Submission:

Clinical Genetics Laboratory, Skane University Hospital Lund
Classification: Likely pathogenic for Autosomal dominant polycystic kidney disease. Last evaluated: 2025-08-25. Review status: criteria provided, single submitter. Criteria: ACMG Guidelines, 2015. Collection method: clinical testing. Allele origin: germline. Affected: yes.
Comment: ACMG-criteria used: PM2, PP3, PP4_strong.